The following is an entry in ClinVar:

ClinVar aggregate classification (germline): Likely benign (1 of 4 stars; one submission).

Allele frequency attached by ClinVar (database versions not stated): 1000 Genomes Project 0.00120; 1000 Genomes Project 30x 0.00156.
gnomAD v4.1: 9,087 of 1,491,782 alleles (0.61%); highest among the groups gnomAD compares: Non-Finnish European, 0.65%; 116 homozygotes.

Submission:

CeGaT Center for Human Genetics Tuebingen
Classification: Likely benign. Last evaluated: 2023-09-01. Review status: criteria provided, single submitter. Criteria: CeGaT Center For Human Genetics Tuebingen Variant Classification Criteria Version 2. Collection method: clinical testing. Allele origin: germline. Affected: yes. Observed: 1 variant allele.
Comment: TTC6: BP4, BS2

NM_001310135.5(TTC6):c.2768G>A (p.Arg923His)

Gene: TTC6 (tetratricopeptide repeat domain 6; plus strand). Cytogenetic location: 14q21.1.
Variant type: single nucleotide variant.
Coding change: c.2768G>A on transcript NM_001310135.5 (MANE Select); coding-DNA position 2768, G replaced by A.
Protein change: p.Arg923His; replaces arginine 923 with histidine.
Molecular consequence: missense variant.
Genome position (GRCh38, 1-based): chr14:37,749,343, G>A. VCF-style: chr14-37749343-G-A. GRCh37 (hg19) VCF-style: chr14-38218548-G-A.
Other names: short protein forms R923H.
Identifiers: ClinVar variation 2644185 (VCV002644185.24), dbSNP rs184767824, ClinGen allele CA7160454.
Genomic context (GRCh38, chr14:37,749,343, plus strand): 5'-AGATTTTGACTGAAGAAATAAATGATAAGACAAAATATCCTGCATTTGCATATTGTAGGC[G>A]TGGAGCTATTTATAGGAAACTGGGAAAGTTGCAGAGTGCCATGAATGATCTGCAGAGAGT-3'
Protein context (NP_001297064.2, residues 913-933): TKYPAFAYCR[Arg923His]GAIYRKLGKL